The following is an entry in ClinVar:

NM_001414.4(EIF2B1):c.824A>G (p.Tyr275Cys)

Genes: EIF2B1 (eukaryotic translation initiation factor 2B subunit alpha; minus strand), LOC126861664 (CDK7 strongly-dependent group 2 enhancer GRCh37_chr12:124105924-124107123; plus strand). Cytogenetic location: 12q24.31.
Variant type: single nucleotide variant.
Coding change: c.824A>G on transcript NM_001414.4 (MANE Select); coding-DNA position 824, A replaced by G.
Protein change: p.Tyr275Cys; replaces tyrosine 275 with cysteine.
Molecular consequence: missense variant.
Genome position (GRCh38, 1-based): chr12:123,621,850, T>C on the plus strand (A>G on the coding strand, the complement: EIF2B1 is on the minus strand). VCF-style: chr12-123621850-T-C. GRCh37 (hg19) VCF-style: chr12-124106397-T-C.
Other names: c.824A>G (NM_001414.3); short protein forms Y275C.
Identifiers: ClinVar variation 217281 (VCV000217281.19), dbSNP rs758746181, ClinGen allele CA347593.

ClinVar aggregate classification (germline): Pathogenic/Likely pathogenic. Review status: criteria provided, multiple submitters, no conflicts (2 of 4 stars). 9 submissions from 9 submitters: Pathogenic (1); Likely pathogenic (7). 1 of the submissions does not count toward it. Last evaluated 2025-07-09.

Conditions:
Leukoencephalopathy with vanishing white matter 1 (VWM1). Also called: Vanishing white matter leukodystrophy; EIF2B1-Related Childhood Ataxia with Central Nervous System Hypomyelination/Vanishing White Matter; Cree leukoencephalopathy; CHILDHOOD ATAXIA WITH CENTRAL NERVOUS SYSTEM HYPOMYELINIZATION. Identifiers: Orphanet 99854, MedGen C5779972, MONDO:0020507, OMIM 603896.
Vanishing white matter disease. Also called: CACH syndrome; Childhood ataxia with diffuse central nervous system hypomyelination; Leukoencephalopathy with vanishing white matter; CACH/VWM syndrome; Cree leukoencehalopathy. Identifiers: Orphanet 135, Orphanet 99853, MedGen C1858991, MONDO:0800448.

Allele frequency attached by ClinVar (database versions not stated): gnomAD exomes 0.00004 and 0.00007; ExAC 0.00009.
gnomAD v4.1: 52 of 1,614,074 alleles (0.0032%); highest among the groups gnomAD compares: South Asian, 0.055%; no homozygotes.

Submissions (9):

First Genomix Gene Laboratory, Genetic Diagnostics Department
Classification: Likely pathogenic for Leukoencephalopathy with vanishing white matter 1. Last evaluated: 2025-07-09. Review status: criteria provided, single submitter. Criteria: ACMG Guidelines, 2015. Collection method: clinical testing. Allele origin: germline. Inheritance: Autosomal recessive inheritance. Affected: no. Observed: 1 variant allele.

Women's Health and Genetics/Laboratory Corporation of America, LabCorp
Classification: Likely pathogenic for Vanishing white matter disease. Last evaluated: 2025-04-15. Review status: criteria provided, single submitter. Criteria: LabCorp Variant Classification Summary - May 2015. Collection method: clinical testing. Allele origin: germline.
Comment: Variant summary: EIF2B1 c.824A>G (p.Tyr275Cys) results in a non-conservative amino acid change in the encoded protein sequence. Five of five in-silico tools predict a damaging effect of the variant on protein function. The variant allele was found at a frequency of 7.2e-05 in 251448 control chromosomes. This frequency is not significantly higher than estimated for a pathogenic variant in EIF2B1 causing Leukoencephalopathy With Vanishing White Matter (7.2e-05 vs 0.00016), allowing no conclusion about variant significance. c.824A>G has been reported in the compound heterozygous and homozygous states in individuals affected with EIF2B-related disorders (Maletkovik_2008, Pilania_2020, Shivaram_2022). These data indicate that the variant is likely to be associated with disease. Two publications demonstrated this variant affects protein function, reducing complex formation (examples: Wortham_2015 and Norris_2021). The following publications have been ascertained in the context of this evaluation (PMID: 18263758, 33334879, 32865661, 26285592, 34663487). ClinVar contains an entry for this variant (Variation ID: 217281). Based on the evidence outlined above, the variant was classified as likely pathogenic.

Fulgent Genetics
Classification: Likely pathogenic for Leukoencephalopathy with vanishing white matter 1. Last evaluated: 2024-05-04. Review status: criteria provided, single submitter. Criteria: ACMG Guidelines, 2015. Collection method: clinical testing. Allele origin: germline.

Labcorp Genetics (formerly Invitae), Labcorp
Classification: Likely pathogenic. Last evaluated: 2023-06-17. Review status: criteria provided, single submitter. Criteria: Invitae Variant Classification Sherloc (09022015). Collection method: clinical testing. Allele origin: germline.
Comment: This missense change has been observed in individual(s) with clinical features of EIF2B1-related conditions and/or vanishing white matter disease (PMID: 18263758, 32865661, 34663487). In at least one individual the data is consistent with being in trans (on the opposite chromosome) from a pathogenic variant. This sequence change replaces tyrosine, which is neutral and polar, with cysteine, which is neutral and slightly polar, at codon 275 of the EIF2B1 protein (p.Tyr275Cys). This variant is present in population databases (rs758746181, gnomAD 0.06%). ClinVar contains an entry for this variant (Variation ID: 217281). Advanced modeling of protein sequence and biophysical properties (such as structural, functional, and spatial information, amino acid conservation, physicochemical variation, residue mobility, and thermodynamic stability) performed at Invitae indicates that this missense variant is expected to disrupt EIF2B1 protein function. Experimental studies have shown that this missense change affects EIF2B1 function (PMID: 26285592, 33334879). In summary, the currently available evidence indicates that the variant is pathogenic, but additional data are needed to prove that conclusively. Therefore, this variant has been classified as Likely Pathogenic.

Victorian Clinical Genetics Services, Murdoch Childrens Research Institute
Classification: Pathogenic for Leukoencephalopathy with vanishing white matter 1. Last evaluated: 2022-09-02. Review status: criteria provided, single submitter. Criteria: ACMG Guidelines, 2015. Collection method: clinical testing. Allele origin: germline. Inheritance: Autosomal recessive inheritance. Affected: yes.
Comment: Based on the classification scheme VCGS_Germline_v1.3.4, this variant is classified as Pathogenic. Following criteria are met: 0102 - Loss of function is a known mechanism of disease in this gene and is associated with leukoencephalopathy with vanishing white matter (MIM#603896). A single missense variant has some functional evidence of having a gain of function mechanism (PMID: 26285592). (I) 0106 - This gene is associated with autosomal recessive disease. However, there is emerging evidence of heterozygous de novo variants causing a dominant form of disease in babies with neonatal diabetes and transient hepatic dysfunction (PMID: 31882561). (I) 0200 - Variant is predicted to result in a missense amino acid change from tyrosine to cysteine. (I) 0252 - This variant is homozygous. (I) 0304 - Variant is present in gnomAD (v2) <0.01 for a recessive condition (18 heterozygotes, 0 homozygotes). (SP) 0309 - An alternative amino acid change at the same position has been observed in gnomAD (v2) (1 heterozygote, 0 homozygotes). (I) 0501 - Missense variant consistently predicted to be damaging by multiple in silico tools or highly conserved with a major amino acid change. (SP) 0600 - Variant is located in the annotated IF-2B domain (DECIPHER). (I) 0705 - No comparable missense variants have previous evidence for pathogenicity. (I) 0802 - This variant has moderate previous evidence of pathogenicity in unrelated individuals. This variant has been classified as likely pathogenic, and observed in a homozygous individual with vanishing white matter (VWM) disease, and at least three compound heterozygous individuals with leukodystrophy, cerebral atrophy and VWM disease. One of these individuals also had thrombocytopenia and was hemizygous for a variant in the WAS gene (ClinVar, PMID: 18263758; PMID: 32865661, PMID: 34663487). (SP) 0905 - No published segregation evidence has been identified for this variant. (I) 1002 - This variant has moderate functional evidence supporting abnormal protein function. Transfected HEK293 cells have demonstrated significant reductions in eIF2Ba binding (PMID: 26285592). (SP) 1102 - Strong phenotype match for this individual. (SP) 1208 - Inheritance information for this variant is not currently available in this individual. (I) Legend: (SP) - Supporting pathogenic, (I) - Information, (SB) - Supporting benign

Foundation for Research in Genetics and Endocrinology, FRIGE's Institute of Human Genetics
Classification: Likely pathogenic for Leukoencephalopathy with vanishing white matter 1. Last evaluated: 2020-05-08. Review status: criteria provided, single submitter. Criteria: ACMG Guidelines, 2015. Collection method: clinical testing. Allele origin: germline. Inheritance: Autosomal recessive inheritance. Affected: yes. Observed: 1 variant allele, 1 compound heterozygote.
Comment: A heterozygous missense variation in exon 9 of the EIF2B1 gene that results in the amino acid substitution of Cysteine for Tyrosine at codon 275 was detected. The observed variant c.824A>G (p.Tyr275Cys) lies in the initiation factor 2 subunit family domain of the EIF2B1 protein and has previously been reported in a compound heterozygous state in a patient affected with eIF2B-related disorders (Maletkovic et al. 2008). The variant has not been reported in the 1000 genomes and has a minor allele frequency of 0.009% in the ExAC databases. The in silico predictions of the variant are probably damaging by PolyPhen-2 (HumDiv) and damaging by SIFT, LRT, and MutationTaster2. The reference codon is conserved across species. In summary, the variant meets our criteria to be classified as likely pathogenic.

Kasturba Medical College, Manipal, Kasturba Medical College, Manipal, Manipal Academy of Higher Education, Manipal, India
Classification: Likely pathogenic for Leukoencephalopathy with vanishing white matter 1. Review status: criteria provided, single submitter. Criteria: ACMG Guidelines, 2015. Collection method: research. Allele origin: inherited. Affected: yes.

Neuberg Centre For Genomic Medicine, NCGM
Classification: Likely pathogenic for Leukoencephalopathy with vanishing white matter 1. Review status: criteria provided, single submitter. Criteria: ACMG Guidelines, 2015. Collection method: clinical testing. Allele origin: germline. Affected: yes.
Comment: The missense variant p.Y275C in EIF2B1 (NM_001414.3) has been previously reported in compound heterozygous form with G204del in a similarly affected patient. Protein modelling suggested a possible loss of hydrogen bonding interaction or formation of an unwanted disulfide bond (Maletkovic et al, 2008). The variant has been submitted to ClinVar as Pathogenic based on the above publication but no functional assays have confirmed a deletrious effect of the above variant. There is a large physicochemical difference between tyrosine and cysteine, which is likely to impact secondary protein structure as these residues differ in polarity, charge, size and/or other properties. The p.Y275C missense variant is predicted to be damaging by both SIFT and PolyPhen2. The tyrosine residue at codon 275 of EIF2B1 is conserved in all mammalian species. The nucleotide c.824 in EIF2B1 is predicted conserved by GERP++ and PhyloP across 100 vertebrates. For these reasons, this variant has been classified as Likely Pathogenic.

OMIM
Classification: Pathogenic for LEUKOENCEPHALOPATHY WITH VANISHING WHITE MATTER 1. Last evaluated: 2008-02-01. Review status: no assertion criteria provided. Collection method: literature only. Allele origin: germline. Not counted in ClinVar's aggregate classification.

Literature cited by the submitters: PubMed 18263758 (cited by 4 submitters); PubMed 33334879 (cited by Women's Health and Genetics/Laboratory Corporation of America, LabCorp and Labcorp Genetics (formerly Invitae), Labcorp); PubMed 32865661 (cited by 3 submitters); PubMed 26285592 (cited by 3 submitters); PubMed 34663487 (cited by 3 submitters); PubMed 31882561 (cited by Victorian Clinical Genetics Services, Murdoch Childrens Research Institute).